The following is an entry in ClinVar:

ClinVar aggregate classification (germline): Uncertain significance (1 of 4 stars; one submission).

Conditions:
Immunodeficiency-centromeric instability-facial anomalies syndrome 2 (ICF2). Identifiers: Orphanet 2268, MedGen C3279748, MONDO:0013553, OMIM 614069.

Allele frequency attached by ClinVar (database versions not stated): gnomAD 0.00001 and 0.00002; TOPMed 0.00001; ExAC 0.00002; gnomAD exomes 0.00002; 1000 Genomes Project 0.00020; 1000 Genomes Project 30x 0.00031.
gnomAD v4.1: 44 of 1,614,226 alleles (0.0027%); highest among the groups gnomAD compares: Non-Finnish European, 0.0034%; no homozygotes.

Submission:

Labcorp Genetics (formerly Invitae), Labcorp
Classification: Uncertain significance for Immunodeficiency-centromeric instability-facial anomalies syndrome 2. Last evaluated: 2022-02-11. Review status: criteria provided, single submitter. Criteria: Invitae Variant Classification Sherloc (09022015). Collection method: clinical testing. Allele origin: germline.
Comment: This sequence change replaces aspartic acid, which is acidic and polar, with asparagine, which is neutral and polar, at codon 266 of the ZBTB24 protein (p.Asp266Asn). This variant is present in population databases (rs45455100, gnomAD 0.004%). This variant has not been reported in the literature in individuals affected with ZBTB24-related conditions. ClinVar contains an entry for this variant (Variation ID: 947784). Algorithms developed to predict the effect of missense changes on protein structure and function are either unavailable or do not agree on the potential impact of this missense change (SIFT: "Not Available"; PolyPhen-2: "Possibly Damaging"; Align-GVGD: "Not Available"). In summary, the available evidence is currently insufficient to determine the role of this variant in disease. Therefore, it has been classified as a Variant of Uncertain Significance.

NM_014797.3(ZBTB24):c.796G>A (p.Asp266Asn)

Gene: ZBTB24 (zinc finger and BTB domain containing 24; minus strand). Cytogenetic location: 6q21.
Variant type: single nucleotide variant.
Coding change: c.796G>A on transcript NM_014797.3 (MANE Select); coding-DNA position 796, G replaced by A.
Protein change: p.Asp266Asn; replaces aspartic acid 266 with asparagine.
Molecular consequence: missense variant.
Genome position (GRCh38, 1-based): chr6:109,481,231, C>T on the plus strand (G>A on the coding strand, the complement: ZBTB24 is on the minus strand). VCF-style: chr6-109481231-C-T. GRCh37 (hg19) VCF-style: chr6-109802434-C-T.
Other names: c.796G>A, p.Asp266Asn (NM_001164313.2); short protein forms D266N.
Identifiers: ClinVar variation 947784 (VCV000947784.7), dbSNP rs45455100, ClinGen allele CA3954284.
Genomic context (GRCh38, chr6:109,481,231, plus strand): 5'-TCCTTCCACAGATCCTCTTGGCTGAACCATGGTCCTCTTGATCCCCAACAAGTTTGTAAT[C>T]TTTAAGTTTGACGGATCTCCAAATCCTCCGCTTGCTGTATCGACTCTGGCTTGCCTGGCC-3'
Protein context (NP_055612.2, residues 256-276): RRIWRSVKLK[Asp266Asn]YKLVGDQEDH